The following is an entry in ClinVar:

ClinVar aggregate classification (germline): Uncertain significance (1 of 4 stars; one submission).

Submission:

Labcorp Genetics (formerly Invitae), Labcorp
Classification: Uncertain significance. Last evaluated: 2021-12-29. Review status: criteria provided, single submitter. Criteria: Invitae Variant Classification Sherloc (09022015). Collection method: clinical testing. Allele origin: germline.
Comment: This sequence change falls in intron 15 of the OCA2 gene. It does not directly change the encoded amino acid sequence of the OCA2 protein. It affects a nucleotide within the consensus splice site. This variant is not present in population databases (gnomAD no frequency). This variant has been observed in individual(s) with clinical features of oculocutaneous albinism (Invitae). In at least one individual the data is consistent with being in trans (on the opposite chromosome) from a pathogenic variant. Variants that disrupt the consensus splice site are a relatively common cause of aberrant splicing (PMID: 17576681, 9536098). Algorithms developed to predict the effect of sequence changes on RNA splicing suggest that this variant may disrupt the consensus splice site. In summary, the available evidence is currently insufficient to determine the role of this variant in disease. Therefore, it has been classified as a Variant of Uncertain Significance.

Literature cited by the submitters: PubMed 17576681; PubMed 9536098.

NM_000275.3(OCA2):c.1636+6T>G

Gene: OCA2 (OCA2 melanosomal transmembrane protein; minus strand). Cytogenetic location: 15q13.1.
Variant type: single nucleotide variant.
Coding change: c.1636+6T>G on transcript NM_000275.3 (MANE Select); 6 bases into the intron after coding-DNA position 1636, T replaced by G.
Molecular consequence: intron variant.
Genome position (GRCh38, 1-based): chr15:27,966,684, A>C on the plus strand (T>G on the coding strand, the complement: OCA2 is on the minus strand). VCF-style: chr15-27966684-A-C. GRCh37 (hg19) VCF-style: chr15-28211830-A-C.
Other names: c.1564+6T>G (NM_001300984.2).
Identifiers: ClinVar variation 1469138 (VCV001469138.6), dbSNP rs2140823543, ClinGen allele CA2573150606.